The following is an entry in ClinVar:

ClinVar aggregate classification (germline): Uncertain significance. Review status: criteria provided, multiple submitters, no conflicts (2 of 4 stars). 4 submissions from 4 submitters: Uncertain significance (3). 1 of the submissions does not count toward it. Last evaluated 2025-12-27.

Conditions:
Inborn genetic diseases. Identifiers: MedGen C0950123, MeSH D030342.
Myopathy, centronuclear, 5 (CNM5). Identifiers: Orphanet 169186, MedGen C4014814, MONDO:0014418, OMIM 615959.
SPEG-related disorder. Also called: SPEG-related condition.

Allele frequency attached by ClinVar (database versions not stated): gnomAD exomes 0.00007; ExAC 0.00010; gnomAD 0.00011 and 0.00012; TOPMed 0.00011; 1000 Genomes Project 30x 0.00047; 1000 Genomes Project 0.00060.
gnomAD v4.1: 96 of 1,613,296 alleles (0.006%); highest among the groups gnomAD compares: African/African-American, 0.033%; no homozygotes.

Submissions (4):

Labcorp Genetics (formerly Invitae), Labcorp
Classification: Uncertain significance. Last evaluated: 2025-12-27. Review status: criteria provided, single submitter. Criteria: Invitae Variant Classification Sherloc (09022015). Collection method: clinical testing. Allele origin: germline.
Comment: This sequence change replaces valine, which is neutral and non-polar, with methionine, which is neutral and non-polar, at codon 2993 of the SPEG protein (p.Val2993Met). This variant is present in population databases (rs114190040, gnomAD 0.04%). This variant has not been reported in the literature in individuals affected with SPEG-related conditions. ClinVar contains an entry for this variant (Variation ID: 1429114). An algorithm developed to predict the effect of missense changes on protein structure and function outputs the following: PolyPhen-2: "Benign". The methionine amino acid residue is found in multiple mammalian species, which suggests that this missense change does not adversely affect protein function. In summary, the available evidence is currently insufficient to determine the role of this variant in disease. Therefore, it has been classified as a Variant of Uncertain Significance.

Revvity Omics, Revvity
Classification: Uncertain significance for Myopathy, centronuclear, 5. Last evaluated: 2023-12-06. Review status: criteria provided, single submitter. Criteria: ACMG Guidelines, 2015. Collection method: clinical testing. Allele origin: germline.

Ambry Genetics
Classification: Uncertain significance for Inborn genetic diseases. Last evaluated: 2022-06-24. Review status: criteria provided, single submitter. Criteria: Ambry Variant Classification Scheme 2023. Collection method: clinical testing. Allele origin: germline.

PreventionGenetics, part of Exact Sciences
Classification: Uncertain significance for SPEG-related condition. Last evaluated: 2024-06-28. Review status: no assertion criteria provided. Collection method: clinical testing. Allele origin: germline. Not counted in ClinVar's aggregate classification.
Comment: The SPEG c.8977G>A variant is predicted to result in the amino acid substitution p.Val2993Met. To our knowledge, this variant has not been reported in the literature. This variant is reported in 0.046% of alleles in individuals of African descent in gnomAD. At this time, the clinical significance of this variant is uncertain due to the absence of conclusive functional and genetic evidence.

NM_005876.5(SPEG):c.8977G>A (p.Val2993Met)

Genes: ASIC4-AS1 (ASIC4 antisense RNA 1; minus strand), SPEG (striated muscle enriched protein kinase; plus strand). Cytogenetic location: 2q35.
Variant type: single nucleotide variant.
Coding change: c.8977G>A on transcript NM_005876.5 (MANE Select); coding-DNA position 8977, G replaced by A.
Protein change: p.Val2993Met; replaces valine 2993 with methionine.
Molecular consequence: missense variant.
Genome position (GRCh38, 1-based): chr2:219,490,464, G>A. VCF-style: chr2-219490464-G-A. GRCh37 (hg19) VCF-style: chr2-220355186-G-A.
Other names: c.8977G>A (NM_005876.4); short protein forms V2993M.
Identifiers: ClinVar variation 1429114 (VCV001429114.10), dbSNP rs114190040, ClinGen allele CA2127637.